The following is an entry in ClinVar:

ClinVar aggregate classification (germline): Uncertain significance (1 of 4 stars; one submission).

Conditions:
Renal cyst. Also called: Cystic kidney disease; Renal cysts; cystic kidneys. Identifiers: MedGen C3887499, MONDO:0002473, HP:0000107.

gnomAD v4.1: 3 of 1,610,230 alleles (0.00019%); highest among the groups gnomAD compares: Non-Finnish European, 0.000085%; no homozygotes.

Submission:

Victorian Clinical Genetics Services, Murdoch Childrens Research Institute
Classification: Uncertain significance for Renal cyst. Last evaluated: 2024-10-30. Review status: criteria provided, single submitter. Criteria: ACMG Guidelines, 2015. Collection method: clinical testing. Allele origin: germline. Affected: yes.
Comment: This variant is classified as VUS-3B. Evidence in support of pathogenic classification: Variant is predicted to result in a truncated protein (premature termination codon is NOT located at least 54 nucleotides upstream of the final exon-exon junction) with less than 1/3 of the protein sequence affected; Variant is present in gnomAD <0.01 (v4: 3 heterozygote(s), 0 homozygote(s)); This variant has limited previous evidence of pathogenicity in an unrelated individual. This variant has been reported in a homozygous state in one individual with macular dystrophy/Stargardt disease (PMID: 31736247); Another NMD-escape variant comparable to the one identified in this case has limited previous evidence for pathogenicity. The p.(Asn1442Glnfs*19) variant has been classified once as likely pathogenic in ClinVar by a clinical laboratory. Additional information: This variant is homozygous; This gene is associated with both recessive and dominant disease. Retinitis pigmentosa 80 (MIM#617781) and short-rib thoracic dysplasia 9 with or without polydactyly (MIM#266920) are inherited in an autosomal recessive manner, while cystic kidney disease (MONDO:0002473), IFT140-related is inherited in an autosomal dominant manner (OMIM, PMID: 34890546); No published segregation evidence has been identified for this variant; No published functional evidence has been identified for this variant; Variant is not located in an established domain, motif, hotspot or informative constraint region; Loss of function is a known mechanism of disease in this gene and is associated with retinitis pigmentosa 80 (MIM#617781), short-rib thoracic dysplasia 9 with or without polydactyly (MIM#266920), and cystic kidney disease (MONDO:0002473), IFT140-related (PMID: 34890546); The dominant condition associated with this gene may have incomplete penetrance. Parents of children with short-rib thoracic dysplasia 9 with or without polydactyly, who carry a single pathogenic variant that has also previously been associated with the dominant cystic kidney disease phenotype, have been reported as unaffected (PMID: 34890546). However, these parents weren't specifically assessed for cystic kidney disease; Inheritance information for this variant is not currently available in this individual.

Literature cited by the submitters: PubMed 34890546; PubMed 31736247.

NM_014714.4(IFT140):c.4252C>T (p.Gln1418Ter)

Gene: IFT140 (intraflagellar transport 140; minus strand). Cytogenetic location: 16p13.3.
Variant type: single nucleotide variant.
Coding change: c.4252C>T on transcript NM_014714.4 (MANE Select); coding-DNA position 4252, C replaced by T.
Protein change: p.Gln1418Ter; replaces glutamine 1418 with a stop codon.
Molecular consequence: nonsense.
Genome position (GRCh38, 1-based): chr16:1,511,081, G>A on the plus strand (C>T on the coding strand, the complement: IFT140 is on the minus strand). VCF-style: chr16-1511081-G-A. GRCh37 (hg19) VCF-style: chr16-1561082-G-A.
Other names: short protein forms Q1418*.
Identifiers: ClinVar variation 4531520 (VCV004531520.1).